The following is an entry in ClinVar:

ClinVar aggregate classification (germline): Uncertain significance (1 of 4 stars; one submission).

Allele frequency attached by ClinVar (database versions not stated): ExAC 0.00001; gnomAD 0.00001; gnomAD exomes 0.00001 and 0.00002; TOPMed 0.00002; ESP Exome Variant Server 0.00008.
gnomAD v4.1: 12 of 1,613,900 alleles (0.00074%); highest among the groups gnomAD compares: Non-Finnish European, 0.001%; no homozygotes.

Submission:

Labcorp Genetics (formerly Invitae), Labcorp
Classification: Uncertain significance. Last evaluated: 2022-02-05. Review status: criteria provided, single submitter. Criteria: Invitae Variant Classification Sherloc (09022015). Collection method: clinical testing. Allele origin: germline.
Comment: This sequence change replaces alanine, which is neutral and non-polar, with glycine, which is neutral and non-polar, at codon 1234 of the POLR3A protein (p.Ala1234Gly). This variant is present in population databases (rs373960739, gnomAD 0.003%). This variant has not been reported in the literature in individuals affected with POLR3A-related conditions. Algorithms developed to predict the effect of missense changes on protein structure and function (SIFT, PolyPhen-2, Align-GVGD) all suggest that this variant is likely to be tolerated. In summary, the available evidence is currently insufficient to determine the role of this variant in disease. Therefore, it has been classified as a Variant of Uncertain Significance.

NM_007055.4(POLR3A):c.3701C>G (p.Ala1234Gly)

Gene: POLR3A (RNA polymerase III subunit A; minus strand). Cytogenetic location: 10q22.3.
Variant type: single nucleotide variant.
Coding change: c.3701C>G on transcript NM_007055.4 (MANE Select); coding-DNA position 3701, C replaced by G.
Protein change: p.Ala1234Gly; replaces alanine 1234 with glycine.
Molecular consequence: missense variant.
Genome position (GRCh38, 1-based): chr10:77,982,212, G>C on the plus strand (C>G on the coding strand, the complement: POLR3A is on the minus strand). VCF-style: chr10-77982212-G-C. GRCh37 (hg19) VCF-style: chr10-79741970-G-C.
Other names: short protein forms A1234G.
Identifiers: ClinVar variation 1415437 (VCV001415437.3), dbSNP rs373960739, ClinGen allele CA5570746.
Genomic context (GRCh38, chr10:77,982,212, plus strand): 5'-ACCTCATAGGTGTTATTGGAGGTGGTTCGGGTGCCCTTCACACCGTGTGTGGCCATGACT[G>C]CCCGCAGGTTATCACCTTCCACCAGAAGCTTGTACTTCTCCTTTCCACTCTGCTCGTCAA-3'
Protein context (NP_008986.2, residues 1224-1244): KLLVEGDNLR[Ala1234Gly]VMATHGVKGT